The following is an entry in ClinVar:

NM_000069.3(CACNA1S):c.1805A>G (p.Gln602Arg)

Gene: CACNA1S (calcium voltage-gated channel subunit alpha1 S; minus strand). Cytogenetic location: 1q32.1.
Variant type: single nucleotide variant.
Coding change: c.1805A>G on transcript NM_000069.3 (MANE Select); coding-DNA position 1805, A replaced by G.
Protein change: p.Gln602Arg; replaces glutamine 602 with arginine.
Molecular consequence: missense variant.
Genome position (GRCh38, 1-based): chr1:201,076,942, T>C on the plus strand (A>G on the coding strand, the complement: CACNA1S is on the minus strand). VCF-style: chr1-201076942-T-C. GRCh37 (hg19) VCF-style: chr1-201046070-T-C.
Other names: short protein forms Q602R.
Identifiers: ClinVar variation 4757162 (VCV004757162.1).

ClinVar aggregate classification (germline): Uncertain significance (1 of 4 stars; one submission).

Conditions:
Malignant hyperthermia, susceptibility to, 5 (MHS5). Also called: CACNA1S-Related Malignant Hyperthermia Susceptibility. Identifiers: Orphanet 423, MedGen C1866077, MONDO:0011163, OMIM 601887.

Submission:

Color Diagnostics, LLC DBA Color Health
Classification: Uncertain significance for Malignant hyperthermia, susceptibility to, 5. Last evaluated: 2025-06-17. Review status: criteria provided, single submitter. Criteria: ACMG Guidelines, 2015. Collection method: clinical testing. Allele origin: germline.
Comment: This missense variant replaces glutamine with arginine at codon 602 of the CACNA1S protein. Computational prediction suggests that this variant may have deleterious impact on protein structure and function. To our knowledge, functional studies have not been reported for this variant. This variant has not been reported in individuals affected with CACNA1S-related disorders in the literature. This variant has not been identified in the general population by the Genome Aggregation Database (gnomAD). The available evidence is insufficient to determine the role of this variant in disease conclusively. Therefore, this variant is classified as a Variant of Uncertain Significance.